The following is an entry in ClinVar:

NM_000059.4(BRCA2):c.1807A>G (p.Lys603Glu)

Gene: BRCA2 (BRCA2 DNA repair associated; plus strand). Cytogenetic location: 13q13.1.
Variant type: single nucleotide variant.
Coding change: c.1807A>G on transcript NM_000059.4 (MANE Select); coding-DNA position 1807, A replaced by G.
Protein change: p.Lys603Glu; replaces lysine 603 with glutamic acid.
Molecular consequence: missense variant.
Genome position (GRCh38, 1-based): chr13:32,333,285, A>G. VCF-style: chr13-32333285-A-G. GRCh37 (hg19) VCF-style: chr13-32907422-A-G.
Other names: short protein forms K603E.
Identifiers: ClinVar variation 479348 (VCV000479348.17), dbSNP rs1555282089, ClinGen allele CA387765926.
Genomic context (GRCh38, chr13:32,333,285, plus strand): 5'-TTGAAAAAGAAAACAAATAAGTTTATTTATGCTATACATGATGAAACATCTTATAAAGGA[A>G]AAAAAATACCGAAAGACCAAAAATCAGAACTAATTAACTGTTCAGCCCAGTTTGAAGCAA-3'
Protein context (NP_000050.3, residues 593-613): AIHDETSYKG[Lys603Glu]KIPKDQKSEL

ClinVar aggregate classification (germline): Conflicting classifications of pathogenicity. Review status: criteria provided, conflicting classifications (1 of 4 stars). 3 submissions from 3 submitters: Uncertain significance (2); Likely benign (1). Last evaluated 2025-04-04.

Conditions:
Hereditary breast ovarian cancer syndrome. Also called: Hereditary breast and ovarian cancer syndrome (HBOC); Hereditary breast and ovarian cancer syndrome; Breast and ovarian cancer; BRCA1- and BRCA2-Associated Hereditary Breast and Ovarian Cancer; Hereditary breast and ovarian cancer; Hereditary breast and/or ovarian cancer syndrome. Identifiers: Orphanet 145, MedGen C0677776, MeSH D061325, MONDO:0003582. Disease mechanism: loss of function.
Hereditary cancer-predisposing syndrome. Also called: Neoplastic Syndromes, Hereditary; Hereditary Cancer Syndrome; Hereditary neoplastic syndrome; Tumor predisposition. Identifiers: Orphanet 140162, MedGen C0027672, MeSH D009386, MONDO:0015356.

Allele frequency attached by ClinVar (database versions not stated): gnomAD exomes below 0.00001; TOPMed below 0.00001.
gnomAD v4.1: 1 of 1,605,408 alleles (0.000062%); highest among the groups gnomAD compares: African/African-American, 0.0013%; no homozygotes.

Submissions (3):

Ambry Genetics
Classification: Uncertain significance for Hereditary cancer-predisposing syndrome. Last evaluated: 2025-04-04. Review status: criteria provided, single submitter. Criteria: Ambry Variant Classification Scheme 2023. Collection method: clinical testing. Allele origin: germline.
Comment: The p.K603E variant (also known as c.1807A>G), located in coding exon 9 of the BRCA2 gene, results from an A to G substitution at nucleotide position 1807. The lysine at codon 603 is replaced by glutamic acid, an amino acid with similar properties. This variant was not reported in population based cohorts in the following databases: Database of Single Nucleotide Polymorphisms (dbSNP), NHLBI Exome Sequencing Project (ESP), and 1000 Genomes Project. In the ESP, this variant was not observed in 6493 samples (12986 alleles) with coverage at this position. To date, this alteration has been detected with an allele frequency of approximately 0.0003% (greater than 300000 alleles tested) in our clinical cohort. This amino acid position is poorly conserved in available vertebrate species. In addition, this alteration is predicted to be tolerated by in silico analysis. Since supporting evidence is limited at this time, the clinical significance of this alteration remains unclear.

Labcorp Genetics (formerly Invitae), Labcorp
Classification: Uncertain significance for Hereditary breast ovarian cancer syndrome. Last evaluated: 2024-07-25. Review status: criteria provided, single submitter. Criteria: Invitae Variant Classification Sherloc (09022015). Collection method: clinical testing. Allele origin: germline.
Comment: This sequence change replaces lysine, which is basic and polar, with glutamic acid, which is acidic and polar, at codon 603 of the BRCA2 protein (p.Lys603Glu). This variant is not present in population databases (gnomAD no frequency). This variant has not been reported in the literature in individuals affected with BRCA2-related conditions. ClinVar contains an entry for this variant (Variation ID: 479348). Advanced modeling of protein sequence and biophysical properties (such as structural, functional, and spatial information, amino acid conservation, physicochemical variation, residue mobility, and thermodynamic stability) performed at Invitae indicates that this missense variant is not expected to disrupt BRCA2 protein function with a negative predictive value of 95%. In summary, the available evidence is currently insufficient to determine the role of this variant in disease. Therefore, it has been classified as a Variant of Uncertain Significance.

University of Washington Department of Laboratory Medicine, University of Washington
Classification: Likely benign for Hereditary cancer-predisposing syndrome. Last evaluated: 2023-03-23. Review status: criteria provided, single submitter. Criteria: Dines et al. (Genet Med. 2020). Collection method: curation. Allele origin: germline.
Comment: Missense variant in a coldspot region where missense variants are very unlikely to be pathogenic (PMID:31911673).

BRCA2 exon 10 coldspot. Reclassification based on statistical prior probability.